The following is an entry in ClinVar:

NM_000350.3(ABCA4):c.2443C>T (p.Gln815Ter)

Gene: ABCA4 (ATP binding cassette subfamily A member 4; minus strand). Cytogenetic location: 1p22.1.
Variant type: single nucleotide variant.
Coding change: c.2443C>T on transcript NM_000350.3 (MANE Select); coding-DNA position 2443, C replaced by T.
Protein change: p.Gln815Ter; replaces glutamine 815 with a stop codon.
Molecular consequence: nonsense.
Genome position (GRCh38, 1-based): chr1:94,055,255, G>A on the plus strand (C>T on the coding strand, the complement: ABCA4 is on the minus strand). VCF-style: chr1-94055255-G-A. GRCh37 (hg19) VCF-style: chr1-94520811-G-A.
Other names: c.2221C>T, p.Gln741Ter (NM_001425324.1); short protein forms Q815*, Q741*.
Identifiers: ClinVar variation 1404415 (VCV001404415.8), dbSNP rs140671840, ClinGen allele CA341277076.

ClinVar aggregate classification (germline): Pathogenic (1 of 4 stars; one submission).

Submission:

Labcorp Genetics (formerly Invitae), Labcorp
Classification: Pathogenic. Last evaluated: 2023-08-24. Review status: criteria provided, single submitter. Criteria: Invitae Variant Classification Sherloc (09022015). Collection method: clinical testing. Allele origin: germline.
Comment: For these reasons, this variant has been classified as Pathogenic. ClinVar contains an entry for this variant (Variation ID: 1404415). This premature translational stop signal has been observed in individual(s) with Stargardt disease (PMID: 30060493). This variant is not present in population databases (gnomAD no frequency). This sequence change creates a premature translational stop signal (p.Gln815*) in the ABCA4 gene. It is expected to result in an absent or disrupted protein product. Loss-of-function variants in ABCA4 are known to be pathogenic (PMID: 10958761, 24938718, 25312043, 26780318).

Literature cited by the submitters: PubMed 30060493; PubMed 10958761; PubMed 24938718; PubMed 25312043; PubMed 26780318.